The following is an entry in ClinVar:

NM_207122.2(EXT2):c.-197C>G

Genes: EXT2 (exostosin glycosyltransferase 2; plus strand), LOC130005598 (ATAC-STARR-seq lymphoblastoid silent region 3272; plus strand). Cytogenetic location: 11p11.2.
Variant type: single nucleotide variant.
Coding change: c.-197C>G on transcript NM_207122.2 (MANE Select); 197 bases upstream of the start codon, C replaced by G.
Molecular consequence: 5 prime UTR variant.
Genome position (GRCh38, 1-based): chr11:44,095,686, C>G. VCF-style: chr11-44095686-C-G. GRCh37 (hg19) VCF-style: chr11-44117236-C-G.
Other names: c.-197C>G (NM_001178083.3); c.-236C>G (NM_001389630.1).
Identifiers: ClinVar variation 304566 (VCV000304566.5), dbSNP rs78395259, ClinGen allele CA10630858.

ClinVar aggregate classification (germline): Benign (1 of 4 stars; one submission).

Conditions:
Exostoses, multiple, type 2 (EXT2). Also called: Hereditary Multiple Osteochondromatosis, Type II; EXOSTOSES, MULTIPLE, TYPE II. Identifiers: Orphanet 321, MedGen C1851413, MONDO:0007586, OMIM 133701.

Allele frequency attached by ClinVar (database versions not stated): 1000 Genomes Project 0.02636; TOPMed 0.02677; 1000 Genomes Project 30x 0.02701.

Submission:

Illumina Laboratory Services, Illumina
Classification: Benign for Exostoses, multiple, type 2. Last evaluated: 2018-01-13. Review status: criteria provided, single submitter. Criteria: ICSL Variant Classification Criteria 13 December 2019. Collection method: clinical testing. Allele origin: germline.
Comment: This variant was observed in the ICSL laboratory as part of a predisposition screen in an ostensibly healthy population. It had not been previously curated by ICSL or reported in the Human Gene Mutation Database (HGMD: prior to June 1st, 2018), and was therefore a candidate for classification through an automated scoring system. Utilizing variant allele frequency, disease prevalence and penetrance estimates, and inheritance mode, an automated score was calculated to assess if this variant is too frequent to cause the disease. Based on the score and internal cut-off values, a variant classified as benign is not then subjected to further curation. The score for this variant resulted in a classification of benign for this disease.